The following is an entry in ClinVar:

ClinVar aggregate classification (germline): Uncertain significance (1 of 4 stars; one submission).

Allele frequency attached by ClinVar (database versions not stated): ExAC 0.00001; gnomAD 0.00001; gnomAD exomes 0.00004; TOPMed 0.00004.
gnomAD v4.1: 59 of 1,613,992 alleles (0.0037%); highest among the groups gnomAD compares: Non-Finnish European, 0.0048%; no homozygotes.

Submission:

Labcorp Genetics (formerly Invitae), Labcorp
Classification: Uncertain significance. Last evaluated: 2022-11-28. Review status: criteria provided, single submitter. Criteria: Invitae Variant Classification Sherloc (09022015). Collection method: clinical testing. Allele origin: germline.
Comment: In summary, the available evidence is currently insufficient to determine the role of this variant in disease. Therefore, it has been classified as a Variant of Uncertain Significance. Algorithms developed to predict the effect of missense changes on protein structure and function (SIFT, PolyPhen-2, Align-GVGD) all suggest that this variant is likely to be tolerated. This variant has not been reported in the literature in individuals affected with LIG1-related conditions. This variant is present in population databases (rs747923235, gnomAD 0.002%). This sequence change replaces aspartic acid, which is acidic and polar, with asparagine, which is neutral and polar, at codon 700 of the LIG1 protein (p.Asp700Asn).

NM_000234.3(LIG1):c.2098G>A (p.Asp700Asn)

Gene: LIG1 (DNA ligase 1; minus strand). Cytogenetic location: 19q13.33.
Variant type: single nucleotide variant.
Coding change: c.2098G>A on transcript NM_000234.3 (MANE Select); coding-DNA position 2098, G replaced by A.
Protein change: p.Asp700Asn; replaces aspartic acid 700 with asparagine.
Molecular consequence: missense variant. On other transcripts: non-coding transcript variant (6).
Genome position (GRCh38, 1-based): chr19:48,123,225, C>T on the plus strand (G>A on the coding strand, the complement: LIG1 is on the minus strand). VCF-style: chr19-48123225-C-T. GRCh37 (hg19) VCF-style: chr19-48626482-C-T.
Other names: c.2005G>A, p.Asp669Asn (NM_001289063.2); c.1894G>A, p.Asp632Asn (NM_001289064.2); c.2095G>A, p.Asp699Asn (NM_001320970.2); c.2008G>A, p.Asp670Asn (NM_001320971.2); short protein forms D632N, D669N, D700N, D670N, D699N.
Identifiers: ClinVar variation 2195300 (VCV002195300.4), dbSNP rs747923235, ClinGen allele CA9546555.
Genomic context (GRCh38, chr19:48,123,225, plus strand): 5'-CACCCTCACCTTTCACTGACTGCTCCAGGAACTCGGCGATCTGCTCGATGTCCTTGGTGT[C>T]CAGGGAGGTGGCGAAGACAAACTCGCCCTCTGTCTCCACAAAGTTCTCCCGGAGCAGCTG-3'
Protein context (NP_000225.1, residues 690-710): EGEFVFATSL[Asp700Asn]TKDIEQIAEF